The following is an entry in ClinVar:

NM_001040142.2(SCN2A):c.4481A>G (p.Gln1494Arg)

Gene: SCN2A (sodium voltage-gated channel alpha subunit 2; plus strand). Cytogenetic location: 2q24.3.
Variant type: single nucleotide variant.
Coding change: c.4481A>G on transcript NM_001040142.2 (MANE Select); coding-DNA position 4481, A replaced by G.
Protein change: p.Gln1494Arg; replaces glutamine 1494 with arginine.
Molecular consequence: missense variant.
Genome position (GRCh38, 1-based): chr2:165,381,127, A>G. VCF-style: chr2-165381127-A-G. GRCh37 (hg19) VCF-style: chr2-166237637-A-G.
Other names: c.4481A>G, p.Gln1494Arg (NM_001040143.2, NM_001371246.1, NM_001371247.1 and 1 more transcripts); short protein forms Q1494R.
Identifiers: ClinVar variation 3238770 (VCV003238770.2), dbSNP rs1432208282.

ClinVar aggregate classification (germline): Likely pathogenic. Review status: criteria provided, multiple submitters, no conflicts (2 of 4 stars). 2 submissions from 2 submitters: Likely pathogenic (2). Last evaluated 2024-06-01.

Conditions:
Seizures, benign familial infantile, 3 (BFIS3). Also called: Familial neonatal seizures; CONVULSIONS, BENIGN FAMILIAL INFANTILE, 3. Identifiers: Orphanet 140927, Orphanet 306, MedGen C1843140, MONDO:0011904, OMIM 607745.
Episodic ataxia, type 9. Identifiers: MedGen C5394520, MONDO:0030064, OMIM 618924.
Developmental and epileptic encephalopathy, 11 (DEE11). Also called: Early infantile epileptic encephalopathy 11. Identifiers: Orphanet 1934, MedGen C3150987, MONDO:0013388, OMIM 613721.

Submissions (2):

Kariminejad - Najmabadi Pathology & Genetics Center
Classification: Likely pathogenic for Seizures, benign familial infantile, 3; Episodic ataxia, type 9. Last evaluated: 2024-06-01. Review status: criteria provided, single submitter. Criteria: ACMG Guidelines, 2015. Collection method: clinical testing. Allele origin: germline. Inheritance: Autosomal dominant inheritance. Affected: yes.
Comment: PM2,PP2,PP3(Moderate),PM1

Baylor Genetics
Classification: Likely pathogenic for Developmental and epileptic encephalopathy, 11. Last evaluated: 2024-01-28. Review status: criteria provided, single submitter. Criteria: ACMG Guidelines, 2015. Collection method: clinical testing. Allele origin: unknown.